The following is an entry in ClinVar:

NM_015001.3(SPEN):c.10301C>T (p.Pro3434Leu)

Gene: SPEN (spen family transcriptional repressor; plus strand). Cytogenetic location: 1p36.13.
Variant type: single nucleotide variant.
Coding change: c.10301C>T on transcript NM_015001.3 (MANE Select); coding-DNA position 10301, C replaced by T.
Protein change: p.Pro3434Leu; replaces proline 3434 with leucine.
Molecular consequence: missense variant.
Genome position (GRCh38, 1-based): chr1:15,937,437, C>T. VCF-style: chr1-15937437-C-T. GRCh37 (hg19) VCF-style: chr1-16263932-C-T.
Other names: short protein forms P3434L.
Identifiers: ClinVar variation 4977787 (VCV004977787.1).

ClinVar aggregate classification (germline): Uncertain significance (1 of 4 stars; one submission).

Conditions:
SPEN-related disorder. Also called: SPEN-related condition.

gnomAD v4.1: 2 of 1,613,862 alleles (0.00012%); highest among the groups gnomAD compares: Admixed American, 0.0033%; no homozygotes.

Submission:

PreventionGenetics, part of Exact Sciences
Classification: Uncertain significance for SPEN-related condition. Last evaluated: 2026-05-08. Review status: criteria provided, single submitter. Criteria: ACMG Guidelines, 2015. Collection method: clinical testing. Allele origin: germline.
Comment: The SPEN c.10301C>T variant is predicted to result in the amino acid substitution p.Pro3434Leu. This variant was reported in an individual with a neurodevelopmental phenotype, however detailed phenotypic information was not reported nor were parental studies completed (Supplemental Table 3, Wang et al 2020. PubMed ID: 33004838). This variant has not been reported in a large population database, indicating this variant is rare. At this time, the clinical significance of this variant is uncertain due to the absence of conclusive functional and genetic evidence.